The following is an entry in ClinVar:

NM_001098671.2(RASGRP2):c.899G>A (p.Arg300His)

Gene: RASGRP2 (RAS guanyl releasing protein 2; minus strand). Cytogenetic location: 11q13.1.
Variant type: single nucleotide variant.
Coding change: c.899G>A on transcript NM_001098671.2 (MANE Select); coding-DNA position 899, G replaced by A.
Protein change: p.Arg300His; replaces arginine 300 with histidine.
Molecular consequence: missense variant.
Genome position (GRCh38, 1-based): chr11:64,736,949, C>T on the plus strand (G>A on the coding strand, the complement: RASGRP2 is on the minus strand). VCF-style: chr11-64736949-C-T. GRCh37 (hg19) VCF-style: chr11-64504421-C-T.
Other names: c.899G>A, p.Arg300His (NM_001098670.2, NM_153819.2); c.464G>A, p.Arg155His (NM_001318398.2); short protein forms R155H, R300H.
Identifiers: ClinVar variation 1935466 (VCV001935466.2), dbSNP rs568335357, ClinGen allele CA6079086.
Genomic context (GRCh38, chr11:64,736,949, plus strand): 5'-TCAGGCAGTGCCAGCTGCAGGGCCACCAGGTCCTTGAGGTGCACACCCAGGATCGGGAAG[C>T]GGAAGCCCACACAGGCTGCCAGCCGACGCCGGTAGTTGCCATAGTTGCCTGTCGCCGTCA-3'
Protein context (NP_001092141.1, residues 290-310): RRRLAACVGF[Arg300His]FPILGVHLKD

ClinVar aggregate classification (germline): Uncertain significance (1 of 4 stars; one submission).

Allele frequency attached by ClinVar (database versions not stated): gnomAD 0.00001; TOPMed 0.00001; gnomAD exomes 0.00003; ExAC 0.00006; 1000 Genomes Project 30x 0.00016; 1000 Genomes Project 0.00020.
gnomAD v4.1: 45 of 1,613,898 alleles (0.0028%); highest among the groups gnomAD compares: South Asian, 0.046%; no homozygotes.

Submission:

Labcorp Genetics (formerly Invitae), Labcorp
Classification: Uncertain significance. Last evaluated: 2022-05-24. Review status: criteria provided, single submitter. Criteria: Invitae Variant Classification Sherloc (09022015). Collection method: clinical testing. Allele origin: germline.
Comment: This sequence change replaces arginine, which is basic and polar, with histidine, which is basic and polar, at codon 300 of the RASGRP2 protein (p.Arg300His). This variant is present in population databases (rs568335357, gnomAD 0.05%). This variant has not been reported in the literature in individuals affected with RASGRP2-related conditions. Algorithms developed to predict the effect of missense changes on protein structure and function are either unavailable or do not agree on the potential impact of this missense change (SIFT: "Deleterious"; PolyPhen-2: "Benign"; Align-GVGD: "Class C25"). In summary, the available evidence is currently insufficient to determine the role of this variant in disease. Therefore, it has been classified as a Variant of Uncertain Significance.